The following is an entry in ClinVar:

NM_181458.4(PAX3):c.1015_1016del (p.Val339fs)

Genes: PAX3 (paired box 3; minus strand), LOC126806529 (CDK7 strongly-dependent group 2 enhancer GRCh37_chr2:223084735-223085934; plus strand). Cytogenetic location: 2q36.1.
Variant type: Deletion.
Coding change: c.1015_1016del on transcript NM_181458.4 (MANE Select); coding-DNA positions 1015 to 1016, 2 bases deleted (GT; older notation c.1015_1016delGT).
Protein change: p.Val339fs; shifts the reading frame from valine 339.
Molecular consequence: frameshift variant.
Genome position (GRCh38, 1-based): chr2:222,220,297-222,220,298, AC deleted on the plus strand (GT on the coding strand, the reverse complement: PAX3 is on the minus strand); deleting any 2 consecutive bases within chr2:222,220,297-222,220,299 gives the same sequence; the c. name uses the placement nearest the transcript's 3' end. VCF-style (leftmost placement, unchanged base first): chr2-222220296-TAC-T. GRCh37 (hg19) VCF-style: chr2-223085015-TAC-T.
Other names: c.1012_1013del, p.Val338fs (NM_001127366.3); c.1015_1016del, p.Val339fs (NM_181457.4, NM_181459.4, NM_181460.4 and 1 more transcripts); short protein forms V338fs, V339fs.
Identifiers: ClinVar variation 1453696 (VCV001453696.6), dbSNP rs2106072248, ClinGen allele CA2573135302.

ClinVar aggregate classification (germline): Pathogenic (1 of 4 stars; one submission).

Submission:

Labcorp Genetics (formerly Invitae), Labcorp
Classification: Pathogenic. Last evaluated: 2021-10-22. Review status: criteria provided, single submitter. Criteria: Invitae Variant Classification Sherloc (09022015). Collection method: clinical testing. Allele origin: germline.
Comment: For these reasons, this variant has been classified as Pathogenic. This variant disrupts a region of the PAX3 protein in which other variant(s) (p.Gln405Argfs*29) have been determined to be pathogenic (PMID: 9654197; Invitae). This suggests that this is a clinically significant region of the protein, and that variants that disrupt it are likely to be disease-causing. This variant has not been reported in the literature in individuals affected with PAX3-related conditions. This variant is not present in population databases (ExAC no frequency). This sequence change creates a premature translational stop signal (p.Val339Thrfs*70) in the PAX3 gene. While this is not anticipated to result in nonsense mediated decay, it is expected to disrupt the last 141 amino acid(s) of the PAX3 protein.

Literature cited by the submitters: PubMed 9654197.